The following is an entry in ClinVar:

ClinVar aggregate classification (germline): Uncertain significance (1 of 4 stars; one submission).

Conditions:
Familial hypocalciuric hypercalcemia (FHH). Also called: Familial benign hypercalcemia. Identifiers: Orphanet 405, MedGen C1809471, MONDO:0018458.
Autosomal dominant hypocalcemia 1 (HYPOC1). Also called: HYPOCALCEMIA, FAMILIAL. Identifiers: MedGen C3715128, MONDO:0011013, OMIM 601198.

Submission:

Labcorp Genetics (formerly Invitae), Labcorp
Classification: Uncertain significance for Familial hypocalciuric hypercalcemia; Autosomal dominant hypocalcemia 1. Last evaluated: 2021-10-16. Review status: criteria provided, single submitter. Criteria: Invitae Variant Classification Sherloc (09022015). Collection method: clinical testing. Allele origin: germline.
Comment: In summary, the available evidence is currently insufficient to determine the role of this variant in disease. Therefore, it has been classified as a Variant of Uncertain Significance. Experimental studies and prediction algorithms are not available or were not evaluated, and the functional significance of this variant is currently unknown. This variant has not been reported in the literature in individuals affected with CASR-related conditions. This variant is not present in population databases (ExAC no frequency). This variant, c.2876_2878del, results in the deletion of 1 amino acid(s) of the CASR protein (p.Gln959del), but otherwise preserves the integrity of the reading frame.

NM_000388.4(CASR):c.2870AGC[2] (p.Gln959del)

Gene: CASR (calcium sensing receptor; plus strand). Cytogenetic location: 3q21.1.
Variant type: Microsatellite.
Coding change: c.2870AGC[2] on transcript NM_000388.4 (MANE Select); two copies in a row of the 3-base unit AGC starting at c.2870; the reference has three copies in a row; one copy, 3 bases deleted.
Protein change: p.Gln959del; deletes glutamine 959.
Molecular consequence: inframe deletion.
Genome position (GRCh38, 1-based): chr3:122,284,830-122,284,832, AGC deleted; deleting any 3 consecutive bases within chr3:122,284,823-122,284,832 gives the same sequence; the position shown is the placement nearest the transcript's 3' end. VCF-style (leftmost placement, unchanged base first): chr3-122284822-TCAG-T. GRCh37 (hg19) VCF-style: chr3-122003669-TCAG-T.
Other names: c.2900AGC[2], p.Gln969del (NM_001178065.2); short protein forms Q969del, Q959del.
Identifiers: ClinVar variation 1424823 (VCV001424823.6), dbSNP rs2107651405, ClinGen allele CA2580616521.